The following is an entry in ClinVar:

NM_015352.2(POFUT1):c.762C>T (p.Asp254=)

Gene: POFUT1 (protein O-fucosyltransferase 1; plus strand). Cytogenetic location: 20q11.21.
Variant type: single nucleotide variant.
Coding change: c.762C>T on transcript NM_015352.2 (MANE Select); coding-DNA position 762, C replaced by T.
Protein change: p.Asp254=; no amino-acid change (aspartic acid 254 retained).
Molecular consequence: synonymous variant.
Genome position (GRCh38, 1-based): chr20:32,230,845, C>T. VCF-style: chr20-32230845-C-T. GRCh37 (hg19) VCF-style: chr20-30818648-C-T.
Identifiers: ClinVar variation 3034722 (VCV003034722.2), dbSNP rs370479668, ClinGen allele CA9807383.

ClinVar aggregate classification (germline): Likely benign (0 of 4 stars; one submission).

Conditions:
POFUT1-related disorder. Also called: POFUT1-related condition.

Allele frequency attached by ClinVar (database versions not stated): ExAC 0.00002; gnomAD exomes 0.00002; gnomAD 0.00007; ESP Exome Variant Server 0.00015.
gnomAD v4.1: 45 of 1,613,852 alleles (0.0028%); highest among the groups gnomAD compares: African/African-American, 0.025%; no homozygotes.

Submission:

PreventionGenetics, part of Exact Sciences
Classification: Likely benign for POFUT1-related condition. Last evaluated: 2019-08-01. Review status: no assertion criteria provided. Collection method: clinical testing. Allele origin: germline.
Comment: This variant is classified as likely benign based on ACMG/AMP sequence variant interpretation guidelines (Richards et al. 2015 PMID: 25741868, with internal and published modifications).